The following is an entry in ClinVar:

NM_001379500.1(COL18A1):c.77T>C (p.Leu26Pro)

Genes: BNAT1 (breast cancer associated ESR1 regulating natural antisense transcript 1; minus strand), COL18A1 (collagen type XVIII alpha 1 chain; plus strand). Cytogenetic location: 21q22.3.
Variant type: single nucleotide variant.
Coding change: c.77T>C on transcript NM_001379500.1 (MANE Select); coding-DNA position 77, T replaced by C.
Protein change: p.Leu26Pro; replaces leucine 26 with proline.
Molecular consequence: missense variant.
Genome position (GRCh38, 1-based): chr21:45,405,444, T>C. VCF-style: chr21-45405444-T-C. GRCh37 (hg19) VCF-style: chr21-46825359-T-C.
Other names: short protein forms L26P.
Identifiers: ClinVar variation 1999441 (VCV001999441.4), dbSNP rs2517377775, ClinGen allele CA410620401.

ClinVar aggregate classification (germline): Uncertain significance (1 of 4 stars; one submission).

Submission:

Labcorp Genetics (formerly Invitae), Labcorp
Classification: Uncertain significance. Last evaluated: 2022-05-27. Review status: criteria provided, single submitter. Criteria: Invitae Variant Classification Sherloc (09022015). Collection method: clinical testing. Allele origin: germline.
Comment: This sequence change replaces leucine, which is neutral and non-polar, with proline, which is neutral and non-polar, at codon 26 of the COL18A1 protein (p.Leu26Pro). This variant is not present in population databases (gnomAD no frequency). This variant has not been reported in the literature in individuals affected with COL18A1-related conditions. Experimental studies and prediction algorithms are not available or were not evaluated, and the functional significance of this variant is currently unknown. In summary, the available evidence is currently insufficient to determine the role of this variant in disease. Therefore, it has been classified as a Variant of Uncertain Significance.